The following is an entry in ClinVar:

ClinVar aggregate classification (germline): Likely benign (0 of 4 stars; one submission).

Conditions:
CTNNA2-related disorder. Also called: CTNNA2-related condition.

Allele frequency attached by ClinVar (database versions not stated): gnomAD 0.00001; TOPMed 0.00001; ExAC 0.00002; gnomAD exomes 0.00002.
gnomAD v4.1: 11 of 1,613,632 alleles (0.00068%); highest among the groups gnomAD compares: Admixed American, 0.018%; no homozygotes.

Submission:

PreventionGenetics, part of Exact Sciences
Classification: Likely benign for CTNNA2-related condition. Last evaluated: 2020-12-16. Review status: no assertion criteria provided. Collection method: clinical testing. Allele origin: germline.
Comment: This variant is classified as likely benign based on ACMG/AMP sequence variant interpretation guidelines (Richards et al. 2015 PMID: 25741868, with internal and published modifications).

NM_001282597.3(CTNNA2):c.265T>C (p.Leu89=)

Gene: CTNNA2 (catenin alpha 2; plus strand). Cytogenetic location: 2p12.
Variant type: single nucleotide variant.
Coding change: c.265T>C on transcript NM_001282597.3 (MANE Select); coding-DNA position 265, T replaced by C.
Protein change: p.Leu89=; no amino-acid change (leucine 89 retained).
Molecular consequence: synonymous variant.
Genome position (GRCh38, 1-based): chr2:79,744,549, T>C. VCF-style: chr2-79744549-T-C. GRCh37 (hg19) VCF-style: chr2-79971675-T-C.
Other names: c.265T>C, p.Leu89= (NM_001164883.2, NM_001399737.1, NM_004389.4); c.367T>C, p.Leu123= (NM_001282598.2).
Identifiers: ClinVar variation 3030415 (VCV003030415.2), dbSNP rs762689721, ClinGen allele CA1734971.
Genomic context (GRCh38, chr2:79,744,549, plus strand): 5'-CAGAATTTCCTGGAAAAGGGTGAACAGATCGCTAAGGAGAGTCAAGATCTCAAAGAAGAG[T>C]TGGTGGCTGCTGTAGAGGATGTGCGCAAACAAGGTAGGCAGAATGATATTATTGTTCAAG-3'
Protein context (NP_001269526.1, residues 79-99): AKESQDLKEE[Leu89=]VAAVEDVRKQ